The following is an entry in ClinVar:

ClinVar aggregate classification (germline): Uncertain significance (1 of 4 stars; one submission).

Conditions:
Pitt-Hopkins-like syndrome 2 (PTHSL2). Identifiers: Orphanet 221150, Orphanet 600663, MedGen C3280479, MONDO:0013690, OMIM 614325.

Allele frequency attached by ClinVar (database versions not stated): ExAC 0.00001; gnomAD 0.00001; TOPMed 0.00001.
gnomAD v4.1: 3 of 1,613,854 alleles (0.00019%); highest among the groups gnomAD compares: African/African-American, 0.0027%; no homozygotes.

Submission:

Labcorp Genetics (formerly Invitae), Labcorp
Classification: Uncertain significance for Pitt-Hopkins-like syndrome 2. Last evaluated: 2024-04-17. Review status: criteria provided, single submitter. Criteria: Invitae Variant Classification Sherloc (09022015). Collection method: clinical testing. Allele origin: germline.
Comment: This sequence change replaces alanine, which is neutral and non-polar, with aspartic acid, which is acidic and polar, at codon 1403 of the NRXN1 protein (p.Ala1403Asp). The frequency data for this variant in the population databases is considered unreliable, as metrics indicate poor data quality at this position in the gnomAD database. This variant has not been reported in the literature in individuals affected with NRXN1-related conditions. ClinVar contains an entry for this variant (Variation ID: 568592). Advanced modeling of protein sequence and biophysical properties (such as structural, functional, and spatial information, amino acid conservation, physicochemical variation, residue mobility, and thermodynamic stability) performed at Invitae indicates that this missense variant is not expected to disrupt NRXN1 protein function with a negative predictive value of 80%. In summary, the available evidence is currently insufficient to determine the role of this variant in disease. Therefore, it has been classified as a Variant of Uncertain Significance.

NM_001330078.2(NRXN1):c.4088C>A (p.Ala1363Asp)

Gene: NRXN1 (neurexin 1; minus strand). Cytogenetic location: 2p16.3.
Variant type: single nucleotide variant.
Coding change: c.4088C>A on transcript NM_001330078.2 (MANE Select); coding-DNA position 4088, C replaced by A.
Protein change: p.Ala1363Asp; replaces alanine 1363 with aspartic acid.
Molecular consequence: missense variant.
Genome position (GRCh38, 1-based): chr2:50,053,311, G>T on the plus strand (C>A on the coding strand, the complement: NRXN1 is on the minus strand). VCF-style: chr2-50053311-G-T. GRCh37 (hg19) VCF-style: chr2-50280449-G-T.
Other names: c.4208C>A, p.Ala1403Asp (NM_001135659.3); c.4064C>A, p.Ala1355Asp (NM_001330077.2, NM_001330082.2); c.3932C>A, p.Ala1311Asp (NM_001330083.2); c.4022C>A, p.Ala1341Asp (NM_001330084.2); c.4061C>A, p.Ala1354Asp (NM_001330085.2); c.4088C>A, p.Ala1363Asp (NM_001330086.2); c.3887C>A, p.Ala1296Asp (NM_001330087.2, NM_001330096.2); c.3917C>A, p.Ala1306Asp (NM_001330088.2); and 6 more; short protein forms A1403D, A1306D, A1333D, A1355D, A1354D, A1363D, A1296D, A1311D.
Identifiers: ClinVar variation 568592 (VCV000568592.9), dbSNP rs781551221, ClinGen allele CA1654305.